The following is an entry in ClinVar:

NM_005204.4(MAP3K8):c.1065T>A (p.Asp355Glu)

Gene: MAP3K8 (mitogen-activated protein kinase kinase kinase 8; plus strand). Cytogenetic location: 10p11.23.
Variant type: single nucleotide variant.
Coding change: c.1065T>A on transcript NM_005204.4 (MANE Select); coding-DNA position 1065, T replaced by A.
Protein change: p.Asp355Glu; replaces aspartic acid 355 with glutamic acid.
Molecular consequence: missense variant.
Genome position (GRCh38, 1-based): chr10:30,459,293, T>A. VCF-style: chr10-30459293-T-A. GRCh37 (hg19) VCF-style: chr10-30748222-T-A.
Other names: c.1065T>A, p.Asp355Glu (NM_001244134.1, NM_001320961.2); short protein forms D355E.
Identifiers: ClinVar variation 1395022 (VCV001395022.8), dbSNP rs746620830, ClinGen allele CA5459855.
Genomic context (GRCh38, chr10:30,459,293, plus strand): 5'-AAGAGAGCTGGTTTGTTGATAGATCCACAAGCAAGCACCTCCACTGGAAGACATTGCAGA[T>A]GACTGCAGTCCAGGGATGAGAGAGCTGATAGAAGCTTCCCTGGAGAGAAACCCCAATCAC-3'
Protein context (NP_005195.2, residues 345-365): KQAPPLEDIA[Asp355Glu]DCSPGMRELI

ClinVar aggregate classification (germline): Uncertain significance (1 of 4 stars; one submission).

Allele frequency attached by ClinVar (database versions not stated): TOPMed 0.00005; gnomAD exomes 0.00007 and 0.00005; gnomAD 0.00009; ExAC 0.00011.
gnomAD v4.1: 90 of 1,614,062 alleles (0.0056%); highest among the groups gnomAD compares: Non-Finnish European, 0.0076%; no homozygotes.

Submission:

Labcorp Genetics (formerly Invitae), Labcorp
Classification: Uncertain significance. Last evaluated: 2024-09-29. Review status: criteria provided, single submitter. Criteria: Invitae Variant Classification Sherloc (09022015). Collection method: clinical testing. Allele origin: germline.
Comment: This sequence change replaces aspartic acid, which is acidic and polar, with glutamic acid, which is acidic and polar, at codon 355 of the MAP3K8 protein (p.Asp355Glu). This variant is present in population databases (rs746620830, gnomAD 0.02%). This variant has not been reported in the literature in individuals affected with MAP3K8-related conditions. ClinVar contains an entry for this variant (Variation ID: 1395022). An algorithm developed to predict the effect of missense changes on protein structure and function outputs the following: PolyPhen-2: "Benign". The glutamic acid amino acid residue is found in multiple mammalian species, which suggests that this missense change does not adversely affect protein function. In summary, the available evidence is currently insufficient to determine the role of this variant in disease. Therefore, it has been classified as a Variant of Uncertain Significance.